The following is an entry in ClinVar:

NM_001349253.2(SCN11A):c.1533T>A (p.Asp511Glu)

Gene: SCN11A (sodium voltage-gated channel alpha subunit 11; minus strand). Cytogenetic location: 3p22.2.
Variant type: single nucleotide variant.
Coding change: c.1533T>A on transcript NM_001349253.2 (MANE Select); coding-DNA position 1533, T replaced by A.
Protein change: p.Asp511Glu; replaces aspartic acid 511 with glutamic acid.
Molecular consequence: missense variant.
Genome position (GRCh38, 1-based): chr3:38,905,262, A>T on the plus strand (T>A on the coding strand, the complement: SCN11A is on the minus strand). VCF-style: chr3-38905262-A-T. GRCh37 (hg19) VCF-style: chr3-38946753-A-T.
Other names: c.1533T>A, p.Asp511Glu (NM_014139.3); short protein forms D511E.
Identifiers: ClinVar variation 3763496 (VCV003763496.2).

ClinVar aggregate classification (germline): Uncertain significance (1 of 4 stars; one submission).

Conditions:
Hereditary sensory and autonomic neuropathy type 7. Also called: Neuropathy, hereditary sensory and autonomic, type VII; HSAN VII. Identifiers: Orphanet 391397, MedGen C3809882, MONDO:0014244, OMIM 615548.
Familial episodic pain syndrome with predominantly lower limb involvement. Also called: Episodic pain syndrome, familial, 3. Identifiers: Orphanet 391384, Orphanet 391392, MedGen C3809899, MONDO:0014247, OMIM 615552.

gnomAD v4.1: 2 of 1,614,114 alleles (0.00012%); highest among the groups gnomAD compares: Non-Finnish European, 0.00017%; no homozygotes.

Submission:

Labcorp Genetics (formerly Invitae), Labcorp
Classification: Uncertain significance for Familial episodic pain syndrome with predominantly lower limb involvement; Hereditary sensory and autonomic neuropathy type 7. Last evaluated: 2025-01-27. Review status: criteria provided, single submitter. Criteria: Invitae Variant Classification Sherloc (09022015). Collection method: clinical testing. Allele origin: germline.
Comment: This sequence change replaces aspartic acid, which is acidic and polar, with glutamic acid, which is acidic and polar, at codon 511 of the SCN11A protein (p.Asp511Glu). This variant is present in population databases (rs760577361, gnomAD 0.0009%). This variant has not been reported in the literature in individuals affected with SCN11A-related conditions. Invitae Evidence Modeling of protein sequence and biophysical properties (such as structural, functional, and spatial information, amino acid conservation, physicochemical variation, residue mobility, and thermodynamic stability) indicates that this missense variant is not expected to disrupt SCN11A protein function with a negative predictive value of 80%. In summary, the available evidence is currently insufficient to determine the role of this variant in disease. Therefore, it has been classified as a Variant of Uncertain Significance.